The following is an entry in ClinVar:

NM_000138.5(FBN1):c.6380-2A>C

Gene: FBN1 (fibrillin 1; minus strand). Cytogenetic location: 15q21.1.
Variant type: single nucleotide variant.
Coding change: c.6380-2A>C on transcript NM_000138.5 (MANE Select); the canonical splice acceptor site of the intron before coding-DNA position 6380, A replaced by C.
Molecular consequence: splice acceptor variant.
Genome position (GRCh38, 1-based): chr15:48,437,079, T>G on the plus strand (A>C on the coding strand, the complement: FBN1 is on the minus strand). VCF-style: chr15-48437079-T-G. GRCh37 (hg19) VCF-style: chr15-48729276-T-G.
Other names: c.6380-2A>C (NM_001406716.1).
Identifiers: ClinVar variation 280242 (VCV000280242.19), dbSNP rs886041482, ClinGen allele CA10603438.
Genomic context (GRCh38, chr15:48,437,079, plus strand): 5'-ATCTGTATTGATGCACTGTCCATGTTTACAGACATCGGGTTCTTTGCATTCGTCCATATC[T>G]TAAGCAAGAGAAAAAAAATAGTGAATAACAAGGTATTTTTTAAACGTGAAGATAAATTAT-3'

ClinVar aggregate classification (germline): Pathogenic/Likely pathogenic. Review status: criteria provided, multiple submitters, no conflicts (2 of 4 stars). 2 submissions from 2 submitters: Pathogenic (1); Likely pathogenic (1). Last evaluated 2021-03-01.

Conditions:
Marfan syndrome (MFS). Also called: Marfan syndrome type 1; Marfan's syndrome; MARFAN SYNDROME, TYPE I; Marfan syndrome, classic; FBN1-Related Marfan Syndrome. Identifiers: Orphanet 284963, Orphanet 558, MedGen C0024796, MONDO:0007947, OMIM 154700.

Submissions (2):

Centre of Medical Genetics, University of Antwerp
Classification: Likely pathogenic for Marfan syndrome. Last evaluated: 2021-03-01. Review status: criteria provided, single submitter. Criteria: Submitter's publication. Collection method: research. Allele origin: unknown. Affected: yes. Observed: 2 variant alleles.
Comment: PM2, PS7, PP1, PP4

GeneDx
Classification: Pathogenic. Last evaluated: 2016-01-07. Review status: criteria provided, single submitter. Criteria: GeneDx Variant Classification (06012015). Collection method: clinical testing. Allele origin: germline. Affected: yes.
Comment: Although the c.6380-2 A>C variant in the FBN1 gene has not been reported as a pathogenic variant or as a benign variant to our knowledge, it destroys the canonical splice acceptor site in intron 52 and is predicted to cause abnormal gene splicing. This variant is predicted to lead to either an abnormal message that is subject to nonsense-mediated mRNA decay, or to an abnormal protein product if the message is used for protein translation. Multiple other downstream splice site variants in the FBN1 gene have been reported in HGMD in association with Marfan syndrome (Stenson et al., 2014). Furthermore, the c.6380-2 A>C variant was not observed in approximately 6,500 individuals of European and African American ancestry in the NHLBI Exome Sequencing Project, indicating it is not a common benign variant in these populations. In summary, c.6380-2 A>C in the FBN1 gene is interpreted as a pathogenic variant.